The following is an entry in ClinVar:

NM_001146.5(ANGPT1):c.1270G>A (p.Asp424Asn)

Gene: ANGPT1 (angiopoietin 1; minus strand). Cytogenetic location: 8q23.1.
Variant type: single nucleotide variant.
Coding change: c.1270G>A on transcript NM_001146.5 (MANE Select); coding-DNA position 1270, G replaced by A.
Protein change: p.Asp424Asn; replaces aspartic acid 424 with asparagine.
Molecular consequence: missense variant.
Genome position (GRCh38, 1-based): chr8:107,264,287, C>T on the plus strand (G>A on the coding strand, the complement: ANGPT1 is on the minus strand). VCF-style: chr8-107264287-C-T. GRCh37 (hg19) VCF-style: chr8-108276515-C-T.
Other names: c.1267G>A, p.Asp423Asn (NM_001199859.3); c.670G>A, p.Asp224Asn (NM_001314051.2); short protein forms D224N, D423N, D424N.
Identifiers: ClinVar variation 3608390 (VCV003608390.2).

ClinVar aggregate classification (germline): Uncertain significance (1 of 4 stars; one submission).

gnomAD v4.1: 42 of 1,614,004 alleles (0.0026%); highest among the groups gnomAD compares: South Asian, 0.046%; 1 homozygote.

Submission:

Labcorp Genetics (formerly Invitae), Labcorp
Classification: Uncertain significance. Last evaluated: 2024-05-09. Review status: criteria provided, single submitter. Criteria: Invitae Variant Classification Sherloc (09022015). Collection method: clinical testing. Allele origin: germline.
Comment: This sequence change replaces aspartic acid, which is acidic and polar, with asparagine, which is neutral and polar, at codon 424 of the ANGPT1 protein (p.Asp424Asn). This variant is present in population databases (rs753406610, gnomAD 0.05%). This variant has not been reported in the literature in individuals affected with ANGPT1-related conditions. Algorithms developed to predict the effect of missense changes on protein structure and function output the following: SIFT: "Not Available"; PolyPhen-2: "Benign"; Align-GVGD: "Not Available". The asparagine amino acid residue is found in multiple mammalian species, which suggests that this missense change does not adversely affect protein function. In summary, the available evidence is currently insufficient to determine the role of this variant in disease. Therefore, it has been classified as a Variant of Uncertain Significance.